The following is an entry in ClinVar:

ClinVar aggregate classification (germline): Uncertain significance (1 of 4 stars; one submission).

Conditions:
X-linked lymphoproliferative disease due to XIAP deficiency. Also called: XIAP DEFICIENCY; XIAP-Related Lymphoproliferative Disease, X-Linked. Identifiers: Orphanet 2442, Orphanet 538934, MedGen C1845076, MONDO:0010385, OMIM 300635.

Submission:

Labcorp Genetics (formerly Invitae), Labcorp
Classification: Uncertain significance for X-linked lymphoproliferative disease due to XIAP deficiency. Last evaluated: 2021-01-16. Review status: criteria provided, single submitter. Criteria: Invitae Variant Classification Sherloc (09022015). Collection method: clinical testing. Allele origin: germline.
Comment: In summary, the available evidence is currently insufficient to determine the role of this variant in disease. Therefore, it has been classified as a Variant of Uncertain Significance. Algorithms developed to predict the effect of sequence changes on RNA splicing suggest that this variant may create or strengthen a splice site, but this prediction has not been confirmed by published transcriptional studies. Algorithms developed to predict the effect of missense changes on protein structure and function output the following: SIFT: "Not Available"; PolyPhen-2: "Benign"; Align-GVGD: "Not Available". The methionine amino acid residue is found in multiple mammalian species, suggesting that this missense change does not adversely affect protein function. These predictions have not been confirmed by published functional studies and their clinical significance is uncertain. This sequence change replaces isoleucine with methionine at codon 153 of the XIAP protein (p.Ile153Met). The isoleucine residue is weakly conserved and there is a small physicochemical difference between isoleucine and methionine. This variant is not present in population databases (ExAC no frequency). This variant has not been reported in the literature in individuals with XIAP-related conditions.

NM_001167.4(XIAP):c.459A>G (p.Ile153Met)

Gene: XIAP (X-linked inhibitor of apoptosis; plus strand). Cytogenetic location: Xq25.
Variant type: single nucleotide variant.
Coding change: c.459A>G on transcript NM_001167.4 (MANE Select); coding-DNA position 459, A replaced by G.
Protein change: p.Ile153Met; replaces isoleucine 153 with methionine.
Molecular consequence: missense variant.
Genome position (GRCh38, 1-based): chrX:123,886,121, A>G. VCF-style: chrX-123886121-A-G. GRCh37 (hg19) VCF-style: chrX-123019971-A-G.
Other names: c.459A>G, p.Ile153Met (NM_001204401.2, NM_001378590.1, NM_001378591.1 and 1 more transcripts); short protein forms I153M.
Identifiers: ClinVar variation 1365259 (VCV001365259.6), dbSNP rs2148089808, ClinGen allele CA414123669.
Genomic context (GRCh38, chrX:123,886,121, plus strand): 5'-TGAGACACATGCAGACTATCTTTTGAGAACTGGGCAGGTTGTAGATATATCAGACACCAT[A>G]TACCCGAGGAACCCTGCCATGTATAGTGAAGAAGCTAGATTAAAGTCCTTTCAGAACTGG-3'
Protein context (NP_001158.2, residues 143-163): TGQVVDISDT[Ile153Met]YPRNPAMYSE